The following is an entry in ClinVar:

NM_004656.4(BAP1):c.1715C>G (p.Pro572Arg)

Gene: BAP1 (BRCA1 associated deubiquitinase 1; minus strand). Cytogenetic location: 3p21.1.
Variant type: single nucleotide variant.
Coding change: c.1715C>G on transcript NM_004656.4 (MANE Select); coding-DNA position 1715, C replaced by G.
Protein change: p.Pro572Arg; replaces proline 572 with arginine.
Molecular consequence: missense variant.
Genome position (GRCh38, 1-based): chr3:52,403,430, G>C on the plus strand (C>G on the coding strand, the complement: BAP1 is on the minus strand). VCF-style: chr3-52403430-G-C. GRCh37 (hg19) VCF-style: chr3-52437446-G-C.
Other names: c.1661C>G, p.Pro554Arg (NM_001410772.1); short protein forms P572R, P554R.
Identifiers: ClinVar variation 4194496 (VCV004194496.1).
Genomic context (GRCh38, chr3:52,403,430, plus strand): 5'-CCCTCCTGGGTGCACCAAGTGGCCAGTGAGCCAGTCCAAGGCCCACCTGTCAGCGCCAGG[G>C]GACTCAGCACCCCATCCTCAGCCAGGTGCAGCAGGCCTGTGCTGATGACAGGACCCAGAT-3'
Protein context (NP_004647.1, residues 562-582): LHLAEDGVLS[Pro572Arg]LALTEGGKGS

ClinVar aggregate classification (germline): Uncertain significance (1 of 4 stars; one submission).

Conditions:
Hereditary cancer-predisposing syndrome. Also called: Neoplastic Syndromes, Hereditary; Tumor predisposition; Hereditary Cancer Syndrome; Hereditary neoplastic syndrome. Identifiers: Orphanet 140162, MedGen C0027672, MeSH D009386, MONDO:0015356.

Submission:

Ambry Genetics
Classification: Uncertain significance for Hereditary cancer-predisposing syndrome. Last evaluated: 2025-06-23. Review status: criteria provided, single submitter. Criteria: Ambry Variant Classification Scheme 2023. Collection method: clinical testing. Allele origin: germline.
Comment: The p.P572R variant (also known as c.1715C>G), located in coding exon 13 of the BAP1 gene, results from a C to G substitution at nucleotide position 1715. The proline at codon 572 is replaced by arginine, an amino acid with dissimilar properties. This amino acid position is conserved. In addition, this alteration is predicted to be tolerated by in silico analysis. Based on the available evidence, the clinical significance of this variant remains unclear.